The following is an entry in ClinVar:

ClinVar aggregate classification (germline): Uncertain significance. Review status: criteria provided, multiple submitters, no conflicts (2 of 4 stars). 3 submissions from 3 submitters: Uncertain significance (3). Last evaluated 2024-10-22.

Conditions:
Bifunctional peroxisomal enzyme deficiency (DBIF). Also called: DBP DEFICIENCY; PBFE DEFICIENCY; D-bifunctional protein deficiency. Identifiers: Orphanet 300, MedGen C0342870, MONDO:0009855, OMIM 261515. Disease mechanism: loss of function.
Perrault syndrome. Also called: Gonadal dysgenesis with auditory dysfunction, autosomal recessive inheritance. Identifiers: Orphanet 2855, MedGen C0685838, MONDO:0017312.
Inborn genetic diseases. Identifiers: MedGen C0950123, MeSH D030342.

Allele frequency attached by ClinVar (database versions not stated): gnomAD exomes 0.00001; TOPMed 0.00001.
gnomAD v4.1: 3 of 1,613,602 alleles (0.00019%); highest among the groups gnomAD compares: Admixed American, 0.0033%; no homozygotes.

Submissions (3):

Labcorp Genetics (formerly Invitae), Labcorp
Classification: Uncertain significance for Perrault syndrome; Bifunctional peroxisomal enzyme deficiency. Last evaluated: 2024-10-22. Review status: criteria provided, single submitter. Criteria: Invitae Variant Classification Sherloc (09022015). Collection method: clinical testing. Allele origin: germline.
Comment: This sequence change replaces glutamic acid, which is acidic and polar, with glutamine, which is neutral and polar, at codon 629 of the HSD17B4 protein (p.Glu629Gln). This variant is not present in population databases (gnomAD no frequency). This missense change has been observed in individual(s) with HSD17B4-related conditions (PMID: 36939041). ClinVar contains an entry for this variant (Variation ID: 2161071). Invitae Evidence Modeling of protein sequence and biophysical properties (such as structural, functional, and spatial information, amino acid conservation, physicochemical variation, residue mobility, and thermodynamic stability) indicates that this missense variant is not expected to disrupt HSD17B4 protein function with a negative predictive value of 95%. Algorithms developed to predict the effect of sequence changes on RNA splicing suggest that this variant may disrupt the consensus splice site. In summary, the available evidence is currently insufficient to determine the role of this variant in disease. Therefore, it has been classified as a Variant of Uncertain Significance.

Women's Health and Genetics/Laboratory Corporation of America, LabCorp
Classification: Uncertain significance. Last evaluated: 2024-07-29. Review status: criteria provided, single submitter. Criteria: LabCorp Variant Classification Summary - May 2015. Collection method: clinical testing. Allele origin: germline.
Comment: Variant summary: HSD17B4 c.1885G>C (p.Glu629Gln) results in a conservative amino acid change located in the SCP2 sterol-binding domain (IPR003033) of the encoded protein sequence. Five of five in-silico tools predict a benign effect of the variant on protein function. The variant was absent in 251286 control chromosomes. The available data on variant occurrences in the general population are insufficient to allow any conclusion about variant significance. c.1885G>C has been reported in the literature in an individual affected with Neonatal hypotonia and Seizures (examples: Meng_2023). These data do not allow any conclusion about variant significance. To our knowledge, no experimental evidence demonstrating an impact on protein function has been reported. The following publication has been ascertained in the context of this evaluation (PMID: 36939041). ClinVar contains an entry for this variant (Variation ID: 2161071). Based on the evidence outlined above, the variant was classified as uncertain significance.

Ambry Genetics
Classification: Uncertain significance for Inborn genetic diseases. Last evaluated: 2020-11-23. Review status: criteria provided, single submitter. Criteria: Ambry Variant Classification Scheme 2023. Collection method: clinical testing. Allele origin: germline.
Comment: The c.1885G>C (p.E629Q) alteration is located in exon 22 (coding exon 22) of the HSD17B4 gene. This alteration results from a G to C substitution at nucleotide position 1885, causing the glutamic acid (E) at amino acid position 629 to be replaced by a glutamine (Q). Based on data from the Genome Aggregation Database (gnomAD), the HSD17B4 c.1885G>C alteration was not observed, with coverage at this position. The p.E629 amino acid is not conserved in available vertebrate species. The p.E629Q alteration is predicted to be tolerated by in silico analysis. Based on insufficient or conflicting evidence, the clinical significance of this alteration remains unclear.

Literature cited by the submitters: PubMed 36939041 (cited by Labcorp Genetics (formerly Invitae), Labcorp and Women's Health and Genetics/Laboratory Corporation of America, LabCorp).

NM_000414.4(HSD17B4):c.1885G>C (p.Glu629Gln)

Gene: HSD17B4 (hydroxysteroid 17-beta dehydrogenase 4; plus strand). Cytogenetic location: 5q23.1.
Variant type: single nucleotide variant.
Coding change: c.1885G>C on transcript NM_000414.4 (MANE Select); coding-DNA position 1885, G replaced by C.
Protein change: p.Glu629Gln; replaces glutamic acid 629 with glutamine.
Molecular consequence: missense variant. On other transcripts: non-coding transcript variant (2).
Genome position (GRCh38, 1-based): chr5:119,531,296, G>C. VCF-style: chr5-119531296-G-C. GRCh37 (hg19) VCF-style: chr5-118866991-G-C.
Other names: c.1960G>C, p.Glu654Gln (NM_001199291.3); c.1831G>C, p.Glu611Gln (NM_001199292.2); c.1813G>C, p.Glu605Gln (NM_001292027.2, NM_001374498.1); c.1465G>C, p.Glu489Gln (NM_001292028.2); c.1876G>C, p.Glu626Gln (NM_001374497.1); c.1558G>C, p.Glu520Gln (NM_001374499.1); c.1444G>C, p.Glu482Gln (NM_001374500.1); c.1474G>C, p.Glu492Gln (NM_001374501.1, NM_001374502.1, NM_001374503.1); and 1 more; short protein forms E611Q, E489Q, E520Q, E629Q, E654Q, E482Q, E492Q, E605Q.
Identifiers: ClinVar variation 2161071 (VCV002161071.5), dbSNP rs1754077269, ClinGen allele CA360870999.